The following is an entry in ClinVar:

ClinVar aggregate classification (germline): Likely benign (1 of 4 stars; one submission).

Allele frequency attached by ClinVar (database versions not stated): gnomAD exomes 0.00001 and 0.00002; ExAC 0.00002.
gnomAD v4.1: 16 of 1,614,190 alleles (0.00099%); highest among the groups gnomAD compares: South Asian, 0.018%; no homozygotes.

Submission:

Laboratory for Molecular Medicine, Mass General Brigham Personalized Medicine
Classification: Likely benign. Last evaluated: 2017-08-23. Review status: criteria provided, single submitter. Criteria: LMM Criteria. Collection method: clinical testing. Allele origin: germline. Observed: 1 variant allele.
Comment: p.Ser744Ser in exon 16 of CACNA1D: This variant is not expected to have clinical significance because it does not alter an amino acid residue and is not located within the splice consensus sequence. It has been identified in 0.02% (3/16512) of South Asian chromosomes by the Exome Aggregation Consortium (ExAC; dbSNP rs767446461).

NM_001128840.3(CACNA1D):c.2172A>G (p.Ser724=)

Gene: CACNA1D (calcium voltage-gated channel subunit alpha1 D; plus strand). Cytogenetic location: 3p21.1.
Variant type: single nucleotide variant.
Coding change: c.2172A>G on transcript NM_001128840.3 (MANE Select); coding-DNA position 2172, A replaced by G.
Protein change: p.Ser724=; no amino-acid change (serine 724 retained).
Molecular consequence: synonymous variant.
Genome position (GRCh38, 1-based): chr3:53,726,950, A>G. VCF-style: chr3-53726950-A-G. GRCh37 (hg19) VCF-style: chr3-53760977-A-G.
Other names: c.2232A>G, p.Ser744= (NM_000720.4); c.2172A>G, p.Ser724= (NM_001128839.3).
Identifiers: ClinVar variation 667076 (VCV000667076.4), dbSNP rs767446461, ClinGen allele CA2454156.